The following is an entry in ClinVar:

ClinVar aggregate classification (germline): Conflicting classifications of pathogenicity. Review status: criteria provided, conflicting classifications (1 of 4 stars). 3 submissions from 3 submitters: Uncertain significance (2); Likely benign (1). Last evaluated 2025-04-03.

Conditions:
Hereditary cancer-predisposing syndrome. Also called: Tumor predisposition; Hereditary Cancer Syndrome; Hereditary neoplastic syndrome; Neoplastic Syndromes, Hereditary. Identifiers: Orphanet 140162, MedGen C0027672, MeSH D009386, MONDO:0015356.
Hereditary breast ovarian cancer syndrome. Also called: Hereditary breast and ovarian cancer syndrome (HBOC); Hereditary breast and/or ovarian cancer syndrome; Hereditary breast and ovarian cancer syndrome; Breast and ovarian cancer; BRCA1- and BRCA2-Associated Hereditary Breast and Ovarian Cancer; Hereditary breast and ovarian cancer. Identifiers: Orphanet 145, MedGen C0677776, MeSH D061325, MONDO:0003582. Disease mechanism: loss of function.

Submissions (3):

Ambry Genetics
Classification: Uncertain significance for Hereditary cancer-predisposing syndrome. Last evaluated: 2025-04-03. Review status: criteria provided, single submitter. Criteria: Ambry Variant Classification Scheme 2023. Collection method: clinical testing. Allele origin: germline.
Comment: The p.V1920I variant (also known as c.5758G>A), located in coding exon 10 of the BRCA2 gene, results from a G to A substitution at nucleotide position 5758. The valine at codon 1920 is replaced by isoleucine, an amino acid with highly similar properties. This amino acid position is not well conserved in available vertebrate species. In addition, this alteration is predicted to be tolerated by in silico analysis. Based on the available evidence, the clinical significance of this variant remains unclear.

University of Washington Department of Laboratory Medicine, University of Washington
Classification: Likely benign for Hereditary cancer-predisposing syndrome. Last evaluated: 2023-03-23. Review status: criteria provided, single submitter. Criteria: Dines et al. (Genet Med. 2020). Collection method: curation. Allele origin: germline.
Comment: Missense variant in a coldspot region where missense variants are very unlikely to be pathogenic (PMID:31911673).

BRCA2 exon 11 coldspot. Reclassification based on statistical prior probability.

Labcorp Genetics (formerly Invitae), Labcorp
Classification: Uncertain significance for Hereditary breast ovarian cancer syndrome. Last evaluated: 2022-08-16. Review status: criteria provided, single submitter. Criteria: Invitae Variant Classification Sherloc (09022015). Collection method: clinical testing. Allele origin: germline.
Comment: In summary, the available evidence is currently insufficient to determine the role of this variant in disease. Therefore, it has been classified as a Variant of Uncertain Significance. Advanced modeling of protein sequence and biophysical properties (such as structural, functional, and spatial information, amino acid conservation, physicochemical variation, residue mobility, and thermodynamic stability) performed at Invitae indicates that this missense variant is not expected to disrupt BRCA2 protein function. This variant has not been reported in the literature in individuals affected with BRCA2-related conditions. This variant is not present in population databases (gnomAD no frequency). This sequence change replaces valine, which is neutral and non-polar, with isoleucine, which is neutral and non-polar, at codon 1920 of the BRCA2 protein (p.Val1920Ile).

NM_000059.4(BRCA2):c.5758G>A (p.Val1920Ile)

Gene: BRCA2 (BRCA2 DNA repair associated; plus strand). Cytogenetic location: 13q13.1.
Variant type: single nucleotide variant.
Coding change: c.5758G>A on transcript NM_000059.4 (MANE Select); coding-DNA position 5758, G replaced by A.
Protein change: p.Val1920Ile; replaces valine 1920 with isoleucine.
Molecular consequence: missense variant.
Genome position (GRCh38, 1-based): chr13:32,340,113, G>A. VCF-style: chr13-32340113-G-A. GRCh37 (hg19) VCF-style: chr13-32914250-G-A.
Other names: c.5758G>A, p.Val1920Ile (NM_001406719.1, NM_001406720.1); short protein forms V1920I.
Identifiers: ClinVar variation 1967186 (VCV001967186.8), dbSNP rs2548531673, ClinGen allele CA387787054.